The following is an entry in ClinVar:

NM_000143.4(FH):c.1518G>T (p.Met506Ile)

Gene: FH (fumarate hydratase; minus strand). Cytogenetic location: 1q43.
Variant type: single nucleotide variant.
Coding change: c.1518G>T on transcript NM_000143.4 (MANE Select); coding-DNA position 1518, G replaced by T.
Protein change: p.Met506Ile; replaces methionine 506 with isoleucine.
Molecular consequence: missense variant.
Genome position (GRCh38, 1-based): chr1:241,497,843, C>A on the plus strand (G>T on the coding strand, the complement: FH is on the minus strand). VCF-style: chr1-241497843-C-A. GRCh37 (hg19) VCF-style: chr1-241661143-C-A.
Other names: short protein forms M506I.
Identifiers: ClinVar variation 2195102 (VCV002195102.3), dbSNP rs2147911190, ClinGen allele CA345450019.

ClinVar aggregate classification (germline): Uncertain significance (1 of 4 stars; one submission).

Submission:

Labcorp Genetics (formerly Invitae), Labcorp
Classification: Uncertain significance. Last evaluated: 2025-09-25. Review status: criteria provided, single submitter. Criteria: Invitae Variant Classification Sherloc (09022015). Collection method: clinical testing. Allele origin: germline.
Comment: This sequence change replaces methionine, which is neutral and non-polar, with isoleucine, which is neutral and non-polar, at codon 506 of the FH protein (p.Met506Ile). This variant is not present in population databases (gnomAD no frequency). This variant has not been reported in the literature in individuals affected with FH-related conditions. ClinVar contains an entry for this variant (Variation ID: 2195102). Invitae Evidence Modeling of protein sequence and biophysical properties (such as structural, functional, and spatial information, amino acid conservation, physicochemical variation, residue mobility, and thermodynamic stability) indicates that this missense variant is expected to disrupt FH protein function with a positive predictive value of 95%. In summary, the available evidence is currently insufficient to determine the role of this variant in disease. Therefore, it has been classified as a Variant of Uncertain Significance.